The following is an entry in ClinVar:

ClinVar aggregate classification (germline): Uncertain significance. Review status: criteria provided, multiple submitters, no conflicts (2 of 4 stars). 2 submissions from 2 submitters: Uncertain significance (2). Last evaluated 2025-09-26.

Conditions:
Hereditary cancer-predisposing syndrome. Also called: Tumor predisposition; Neoplastic Syndromes, Hereditary; Hereditary Cancer Syndrome; Hereditary neoplastic syndrome. Identifiers: Orphanet 140162, MedGen C0027672, MeSH D009386, MONDO:0015356.

Submissions (2):

Ambry Genetics
Classification: Uncertain significance for Hereditary cancer-predisposing syndrome. Last evaluated: 2025-09-26. Review status: criteria provided, single submitter. Criteria: Ambry Variant Classification Scheme 2023. Collection method: clinical testing. Allele origin: germline.
Comment: The p.T1206A variant (also known as c.3616A>G), located in coding exon 25 of the SMARCA4 gene, results from an A to G substitution at nucleotide position 3616. The threonine at codon 1206 is replaced by alanine, an amino acid with similar properties. This amino acid position is highly conserved in available vertebrate species. In addition, this alteration is predicted to be deleterious by in silico analysis. Based on the available evidence, the clinical significance of this variant remains unclear.

GeneDx
Classification: Uncertain significance. Last evaluated: 2020-01-02. Review status: criteria provided, single submitter. Criteria: GeneDx Variant Classification Process June 2021. Collection method: clinical testing. Allele origin: germline. Affected: yes.
Comment: In silico analysis, which includes protein predictors and evolutionary conservation, supports a deleterious effect; Has not been previously published as pathogenic or benign to our knowledge

NM_003072.5(SMARCA4):c.3616A>G (p.Thr1206Ala)

Gene: SMARCA4 (SWI/SNF related BAF chromatin remodeling complex subunit ATPase 4; plus strand). Cytogenetic location: 19p13.2.
Variant type: single nucleotide variant.
Coding change: c.3616A>G on transcript NM_003072.5 (MANE Select); coding-DNA position 3616, A replaced by G.
Protein change: p.Thr1206Ala; replaces threonine 1206 with alanine.
Molecular consequence: missense variant. On other transcripts: non-coding transcript variant (1).
Genome position (GRCh38, 1-based): chr19:11,033,359, A>G. VCF-style: chr19-11033359-A-G. GRCh37 (hg19) VCF-style: chr19-11144035-A-G.
Other names: c.3616A>G, p.Thr1206Ala (NM_001128844.3, NM_001128845.2, NM_001128846.2 and 5 more transcripts); short protein forms T1206A.
Identifiers: ClinVar variation 1311786 (VCV001311786.6), dbSNP rs1226649687, ClinGen allele CA404065415.